The following is an entry in ClinVar:

ClinVar aggregate classification (germline): Uncertain significance. Review status: criteria provided, multiple submitters, no conflicts (2 of 4 stars). 2 submissions from 2 submitters: Uncertain significance (2). Last evaluated 2022-05-12.

Conditions:
Inborn genetic diseases. Identifiers: MedGen C0950123, MeSH D030342.

Allele frequency attached by ClinVar (database versions not stated): ESP Exome Variant Server 0.00038.

Submissions (2):

Labcorp Genetics (formerly Invitae), Labcorp
Classification: Uncertain significance. Last evaluated: 2022-05-12. Review status: criteria provided, single submitter. Criteria: Invitae Variant Classification Sherloc (09022015). Collection method: clinical testing. Allele origin: germline.
Comment: This sequence change replaces glutamic acid, which is acidic and polar, with glutamine, which is neutral and polar, at codon 486 of the SLC1A4 protein (p.Glu486Gln). This variant is present in population databases (rs113579377, gnomAD 0.03%). This variant has not been reported in the literature in individuals affected with SLC1A4-related conditions. Algorithms developed to predict the effect of missense changes on protein structure and function (SIFT, PolyPhen-2, Align-GVGD) all suggest that this variant is likely to be tolerated. In summary, the available evidence is currently insufficient to determine the role of this variant in disease. Therefore, it has been classified as a Variant of Uncertain Significance.

Ambry Genetics
Classification: Uncertain significance for Inborn genetic diseases. Last evaluated: 2022-03-28. Review status: criteria provided, single submitter. Criteria: Ambry Variant Classification Scheme 2023. Collection method: clinical testing. Allele origin: germline.

NM_003038.5(SLC1A4):c.1456G>C (p.Glu486Gln)

Gene: SLC1A4 (solute carrier family 1 member 4; plus strand). Cytogenetic location: 2p14.
Variant type: single nucleotide variant.
Coding change: c.1456G>C on transcript NM_003038.5 (MANE Select); coding-DNA position 1456, G replaced by C.
Protein change: p.Glu486Gln; replaces glutamic acid 486 with glutamine.
Molecular consequence: missense variant.
Genome position (GRCh38, 1-based): chr2:65,021,003, G>C. VCF-style: chr2-65021003-G-C. GRCh37 (hg19) VCF-style: chr2-65248137-G-C.
Other names: c.1456G>C (NM_003038.4); c.562G>C, p.Glu188Gln (NM_001193493.2); c.796G>C, p.Glu266Gln (NM_001348406.2, NM_001348407.2); short protein forms E188Q, E266Q, E486Q.
Identifiers: ClinVar variation 1363316 (VCV001363316.6), dbSNP rs113579377, ClinGen allele CA1686182.